The following is an entry in ClinVar:

NM_000443.4(ABCB4):c.748G>C (p.Ala250Pro)

Gene: ABCB4 (ATP binding cassette subfamily B member 4; minus strand). Cytogenetic location: 7q21.12.
Variant type: single nucleotide variant.
Coding change: c.748G>C on transcript NM_000443.4 (MANE Select); coding-DNA position 748, G replaced by C.
Protein change: p.Ala250Pro; replaces alanine 250 with proline.
Molecular consequence: missense variant.
Genome position (GRCh38, 1-based): chr7:87,450,053, C>G on the plus strand (G>C on the coding strand, the complement: ABCB4 is on the minus strand). VCF-style: chr7-87450053-C-G. GRCh37 (hg19) VCF-style: chr7-87079369-C-G.
Other names: c.748G>C, p.Ala250Pro (NM_018849.3, NM_018850.3); short protein forms A250P.
Identifiers: ClinVar variation 4846389 (VCV004846389.1).

ClinVar aggregate classification (germline): Uncertain significance (1 of 4 stars; one submission).

Conditions:
Familial intrahepatic cholestasis. Identifiers: Orphanet 284385, MedGen CN296401, MONDO:0017290.

Submission:

Genomenon, Inc
Classification: Uncertain significance for Familial intrahepatic cholestasis. Last evaluated: 2026-04-14. Review status: criteria provided, single submitter. Criteria: Genomenon Sequence Variant Interpretation Standards - Updated. Collection method: curation. Allele origin: germline. Affected: yes.
Comment: ABCB4 p.Ala250Pro (c.748G>C) is a missense variant that changes the amino acid at residue 250 from Alanine to Proline. This variant has been observed in at least one proband with an ABCB4-related phenotype (PMID:21119540). Functional studies have been reported (PMID:27256251). It is absent or not present at a significant frequency in gnomAD. In silico models predict that this variant is possibly or probably damaging. In conclusion, we classify ABCB4 p.Ala250Pro (c.748G>C) as a variant of uncertain significance.

Literature cited by the submitters: PubMed 21119540; PubMed 27256251.